The following is an entry in ClinVar:

NM_000836.4(GRIN2D):c.139G>T (p.Gly47Trp)

Genes: GRIN2D (glutamate ionotropic receptor NMDA type subunit 2D; plus strand), LOC130064855 (ATAC-STARR-seq lymphoblastoid silent region 10879; plus strand). Cytogenetic location: 19q13.33.
Variant type: single nucleotide variant.
Coding change: c.139G>T on transcript NM_000836.4 (MANE Select); coding-DNA position 139, G replaced by T.
Protein change: p.Gly47Trp; replaces glycine 47 with tryptophan.
Molecular consequence: missense variant.
Genome position (GRCh38, 1-based): chr19:48,398,531, G>T. VCF-style: chr19-48398531-G-T. GRCh37 (hg19) VCF-style: chr19-48901788-G-T.
Other names: c.139G>T (NM_000836.2); short protein forms G47W.
Identifiers: ClinVar variation 1466659 (VCV001466659.6), dbSNP rs1053872417, ClinGen allele CA309325490.

ClinVar aggregate classification (germline): Uncertain significance. Review status: criteria provided, multiple submitters, no conflicts (2 of 4 stars). 2 submissions from 2 submitters: Uncertain significance (2). Last evaluated 2024-12-15.

Conditions:
Inborn genetic diseases. Identifiers: MedGen C0950123, MeSH D030342.

Allele frequency attached by ClinVar (database versions not stated): gnomAD 0.00008 and 0.00009.
gnomAD v4.1: 14 of 1,070,726 alleles (0.0013%); highest among the groups gnomAD compares: Admixed American, 0.06%; no homozygotes.

Submissions (2):

Labcorp Genetics (formerly Invitae), Labcorp
Classification: Uncertain significance. Last evaluated: 2024-12-15. Review status: criteria provided, single submitter. Criteria: Invitae Variant Classification Sherloc (09022015). Collection method: clinical testing. Allele origin: germline.
Comment: This sequence change replaces glycine, which is neutral and non-polar, with tryptophan, which is neutral and slightly polar, at codon 47 of the GRIN2D protein (p.Gly47Trp). The frequency data for this variant in the population databases is considered unreliable, as metrics indicate insufficient coverage at this position in the gnomAD database. This variant has not been reported in the literature in individuals affected with GRIN2D-related conditions. ClinVar contains an entry for this variant (Variation ID: 1466659). Invitae Evidence Modeling of protein sequence and biophysical properties (such as structural, functional, and spatial information, amino acid conservation, physicochemical variation, residue mobility, and thermodynamic stability) indicates that this missense variant is not expected to disrupt GRIN2D protein function with a negative predictive value of 95%. In summary, the available evidence is currently insufficient to determine the role of this variant in disease. Therefore, it has been classified as a Variant of Uncertain Significance.

Ambry Genetics
Classification: Uncertain significance for Inborn genetic diseases. Last evaluated: 2021-06-02. Review status: criteria provided, single submitter. Criteria: Ambry Variant Classification Scheme 2023. Collection method: clinical testing. Allele origin: germline.